The following is an entry in ClinVar:

ClinVar aggregate classification (germline): Benign/Likely benign. Review status: criteria provided, multiple submitters, no conflicts (2 of 4 stars). 2 submissions from 2 submitters: Benign (1); Likely benign (1). Last evaluated 2025-03-01.

Conditions:
Lung cancer. Also called: Lung cancer, somatic; Malignant tumor of lung. Identifiers: MedGen C0242379, MONDO:0008903, OMIM 211980.

Submissions (2):

CeGaT Center for Human Genetics Tuebingen
Classification: Likely benign. Last evaluated: 2025-03-01. Review status: criteria provided, single submitter. Criteria: CeGaT Center For Human Genetics Tuebingen Variant Classification Criteria Version 2. Collection method: clinical testing. Allele origin: germline. Affected: yes. Observed: 1 variant allele.
Comment: EGFR: PM2:Supporting, BP4, BP7

Myriad Genetics, Inc.
Classification: Benign for Lung cancer. Last evaluated: 2024-10-16. Review status: criteria provided, single submitter. Criteria: Myriad Autosomal Dominant, Autosomal Recessive and X-Linked Classification Criteria (2023). Collection method: clinical testing. Allele origin: unknown.
Comment: This variant is considered benign. This variant is a silent/synonymous amino acid change and it is not expected to impact splicing.

NM_005228.5(EGFR):c.2259G>C (p.Pro753=)

Gene: EGFR (epidermal growth factor receptor; plus strand). Cytogenetic location: 7p11.2.
Variant type: single nucleotide variant.
Coding change: c.2259G>C on transcript NM_005228.5 (MANE Select); coding-DNA position 2259, G replaced by C.
Protein change: p.Pro753=; no amino-acid change (proline 753 retained).
Molecular consequence: synonymous variant.
Genome position (GRCh38, 1-based): chr7:55,174,796, G>C. VCF-style: chr7-55174796-G-C. GRCh37 (hg19) VCF-style: chr7-55242489-G-C.
Other names: c.2124G>C, p.Pro708= (NM_001346897.2, NM_001346899.2); c.2259G>C, p.Pro753= (NM_001346898.2); c.2100G>C, p.Pro700= (NM_001346900.2); c.1458G>C, p.Pro486= (NM_001346941.2).
Identifiers: ClinVar variation 3773496 (VCV003773496.8).